The following is an entry in ClinVar:

NM_000213.5(ITGB4):c.220C>T (p.Arg74Trp)

Gene: ITGB4 (integrin subunit beta 4; plus strand). Cytogenetic location: 17q25.1.
Variant type: single nucleotide variant.
Coding change: c.220C>T on transcript NM_000213.5 (MANE Select); coding-DNA position 220, C replaced by T.
Protein change: p.Arg74Trp; replaces arginine 74 with tryptophan.
Molecular consequence: missense variant.
Genome position (GRCh38, 1-based): chr17:75,727,461, C>T. VCF-style: chr17-75727461-C-T. GRCh37 (hg19) VCF-style: chr17-73723542-C-T.
Other names: c.220C>T, p.Arg74Trp (NM_001005619.2, NM_001005731.3, NM_001321123.2); short protein forms R74W.
Identifiers: ClinVar variation 2146557 (VCV002146557.2), dbSNP rs772790459, ClinGen allele CA8768602.

ClinVar aggregate classification (germline): Uncertain significance. Review status: criteria provided, multiple submitters, no conflicts (2 of 4 stars). 2 submissions from 2 submitters: Uncertain significance (2). Last evaluated 2022-10-06.

Conditions:
Inborn genetic diseases. Identifiers: MedGen C0950123, MeSH D030342.

Allele frequency attached by ClinVar (database versions not stated): gnomAD 0.00001; TOPMed 0.00001; gnomAD exomes 0.00002; ExAC 0.00003.
gnomAD v4.1: 34 of 1,613,816 alleles (0.0021%); highest among the groups gnomAD compares: Admixed American, 0.017%; no homozygotes.

Submissions (2):

Ambry Genetics
Classification: Uncertain significance for Inborn genetic diseases. Last evaluated: 2022-10-06. Review status: criteria provided, single submitter. Criteria: Ambry Variant Classification Scheme 2023. Collection method: clinical testing. Allele origin: germline.

Labcorp Genetics (formerly Invitae), Labcorp
Classification: Uncertain significance. Last evaluated: 2022-05-11. Review status: criteria provided, single submitter. Criteria: Invitae Variant Classification Sherloc (09022015). Collection method: clinical testing. Allele origin: germline.
Comment: This sequence change replaces arginine, which is basic and polar, with tryptophan, which is neutral and slightly polar, at codon 74 of the ITGB4 protein (p.Arg74Trp). This variant is present in population databases (rs772790459, gnomAD 0.03%). This variant has not been reported in the literature in individuals affected with ITGB4-related conditions. Algorithms developed to predict the effect of missense changes on protein structure and function output the following: SIFT: "Not Available"; PolyPhen-2: "Benign"; Align-GVGD: "Not Available". The tryptophan amino acid residue is found in multiple mammalian species, which suggests that this missense change does not adversely affect protein function. In summary, the available evidence is currently insufficient to determine the role of this variant in disease. Therefore, it has been classified as a Variant of Uncertain Significance.